The following is an entry in ClinVar:

ClinVar aggregate classification (germline): Uncertain significance (1 of 4 stars; one submission).

Conditions:
Curry-Hall syndrome (WAD). Also called: WEYERS ACRODENTAL DYSOSTOSIS. Identifiers: Orphanet 952, MedGen C0457013, MONDO:0008673, OMIM 193530.
Ellis-van Creveld syndrome (EVC). Also called: MESOECTODERMAL DYSPLASIA; EVC-Related Ellis-van Creveld Syndrome; EVC2-Related Ellis-van Creveld Syndrome; Chondroectodermal dysplasia. Identifiers: Orphanet 289, MedGen C0013903, MONDO:0009162, OMIM 225500.

Allele frequency attached by ClinVar (database versions not stated): ExAC 0.00001.
gnomAD v4.1: 4 of 1,610,954 alleles (0.00025%); highest among the groups gnomAD compares: Middle Eastern, 0.017%; no homozygotes.

Submission:

Labcorp Genetics (formerly Invitae), Labcorp
Classification: Uncertain significance for Curry-Hall syndrome; Ellis-van Creveld syndrome. Last evaluated: 2022-09-28. Review status: criteria provided, single submitter. Criteria: Invitae Variant Classification Sherloc (09022015). Collection method: clinical testing. Allele origin: germline.
Comment: This sequence change replaces arginine, which is basic and polar, with cysteine, which is neutral and slightly polar, at codon 873 of the EVC protein (p.Arg873Cys). This variant is present in population databases (rs762346358, gnomAD 0.0009%). This variant has not been reported in the literature in individuals affected with EVC-related conditions. Advanced modeling of protein sequence and biophysical properties (such as structural, functional, and spatial information, amino acid conservation, physicochemical variation, residue mobility, and thermodynamic stability) performed at Invitae indicates that this missense variant is expected to disrupt EVC protein function. In summary, the available evidence is currently insufficient to determine the role of this variant in disease. Therefore, it has been classified as a Variant of Uncertain Significance.

NM_153717.3(EVC):c.2617C>T (p.Arg873Cys)

Gene: EVC (EvC ciliary complex subunit 1; plus strand). Cytogenetic location: 4p16.2.
Variant type: single nucleotide variant.
Coding change: c.2617C>T on transcript NM_153717.3 (MANE Select); coding-DNA position 2617, C replaced by T.
Protein change: p.Arg873Cys; replaces arginine 873 with cysteine.
Molecular consequence: missense variant.
Genome position (GRCh38, 1-based): chr4:5,808,256, C>T. VCF-style: chr4-5808256-C-T. GRCh37 (hg19) VCF-style: chr4-5809983-C-T.
Other names: c.2617C>T, p.Arg873Cys (NM_001306090.2); short protein forms R873C.
Identifiers: ClinVar variation 2199776 (VCV002199776.1), dbSNP rs762346358, ClinGen allele CA2836622.